The following is an entry in ClinVar:

NM_173076.3(ABCA12):c.774G>C (p.Glu258Asp)

Gene: ABCA12 (ATP binding cassette subfamily A member 12; minus strand). Cytogenetic location: 2q35.
Variant type: single nucleotide variant.
Coding change: c.774G>C on transcript NM_173076.3 (MANE Select); coding-DNA position 774, G replaced by C.
Protein change: p.Glu258Asp; replaces glutamic acid 258 with aspartic acid.
Molecular consequence: missense variant. On other transcripts: non-coding transcript variant (1).
Genome position (GRCh38, 1-based): chr2:215,045,935, C>G on the plus strand (G>C on the coding strand, the complement: ABCA12 is on the minus strand). VCF-style: chr2-215045935-C-G. GRCh37 (hg19) VCF-style: chr2-215910659-C-G.
Other names: short protein forms E258D.
Identifiers: ClinVar variation 1347405 (VCV001347405.8), dbSNP rs751474923, ClinGen allele CA350452783.

ClinVar aggregate classification (germline): Uncertain significance (1 of 4 stars; one submission).

Submission:

Labcorp Genetics (formerly Invitae), Labcorp
Classification: Uncertain significance. Last evaluated: 2021-06-18. Review status: criteria provided, single submitter. Criteria: Invitae Variant Classification Sherloc (09022015). Collection method: clinical testing. Allele origin: germline.
Comment: This variant is not present in population databases (ExAC no frequency). This sequence change replaces glutamic acid with aspartic acid at codon 258 of the ABCA12 protein (p.Glu258Asp). The glutamic acid residue is moderately conserved and there is a small physicochemical difference between glutamic acid and aspartic acid. In summary, the available evidence is currently insufficient to determine the role of this variant in disease. Therefore, it has been classified as a Variant of Uncertain Significance. Advanced modeling of protein sequence and biophysical properties (such as structural, functional, and spatial information, amino acid conservation, physicochemical variation, residue mobility, and thermodynamic stability) performed at Invitae indicates that this missense variant is not expected to disrupt ABCA12 protein function. This variant has not been reported in the literature in individuals with ABCA12-related conditions.